The following is an entry in ClinVar:

NM_153704.6(TMEM67):c.2776T>C (p.Ser926Pro)

Gene: TMEM67 (transmembrane protein 67; plus strand). Cytogenetic location: 8q22.1.
Variant type: single nucleotide variant.
Coding change: c.2776T>C on transcript NM_153704.6 (MANE Select); coding-DNA position 2776, T replaced by C.
Protein change: p.Ser926Pro; replaces serine 926 with proline.
Molecular consequence: missense variant. On other transcripts: non-coding transcript variant (1).
Genome position (GRCh38, 1-based): chr8:93,815,316, T>C. VCF-style: chr8-93815316-T-C. GRCh37 (hg19) VCF-style: chr8-94827544-T-C.
Other names: c.2533T>C, p.Ser845Pro (NM_001142301.1); short protein forms S926P, S845P.
Identifiers: ClinVar variation 1358759 (VCV001358759.8), dbSNP rs763360678, ClinGen allele CA371700947.

ClinVar aggregate classification (germline): Uncertain significance (1 of 4 stars; one submission).

Conditions:
Joubert syndrome. Also called: CEREBELLOPARENCHYMAL DISORDER IV; JOUBERT-BOLTSHAUSER SYNDROME; Familial aplasia of the vermis. Identifiers: Orphanet 475, MedGen C5979921, MONDO:0018772.
Meckel-Gruber syndrome. Also called: DYSENCEPHALIA SPLANCHNOCYSTICA; GRUBER SYNDROME; Dysencephalia splachnocystica. Identifiers: Orphanet 564, MedGen C0265215, MONDO:0018921.

gnomAD v4.1: 1 of 1,573,724 alleles (0.000064%); highest among the groups gnomAD compares: East Asian, 0.0023%; no homozygotes.

Submission:

Labcorp Genetics (formerly Invitae), Labcorp
Classification: Uncertain significance for Joubert syndrome; Meckel-Gruber syndrome. Last evaluated: 2021-06-03. Review status: criteria provided, single submitter. Criteria: Invitae Variant Classification Sherloc (09022015). Collection method: clinical testing. Allele origin: germline.
Comment: This sequence change replaces serine with proline at codon 926 of the TMEM67 protein (p.Ser926Pro). The serine residue is highly conserved and there is a moderate physicochemical difference between serine and proline. This variant is not present in population databases (ExAC no frequency). This variant has not been reported in the literature in individuals with TMEM67-related conditions. Advanced modeling of protein sequence and biophysical properties (such as structural, functional, and spatial information, amino acid conservation, physicochemical variation, residue mobility, and thermodynamic stability) performed at Invitae indicates that this missense variant is expected to disrupt TMEM67 protein function. In summary, the available evidence is currently insufficient to determine the role of this variant in disease. Therefore, it has been classified as a Variant of Uncertain Significance.